The following is an entry in ClinVar:

ClinVar aggregate classification (germline): Uncertain significance (1 of 4 stars; one submission).

Conditions:
Hereditary cancer-predisposing syndrome. Also called: Neoplastic Syndromes, Hereditary; Tumor predisposition; Hereditary Cancer Syndrome; Hereditary neoplastic syndrome. Identifiers: Orphanet 140162, MedGen C0027672, MeSH D009386, MONDO:0015356.

Submission:

Ambry Genetics
Classification: Uncertain significance for Hereditary cancer-predisposing syndrome. Last evaluated: 2020-09-09. Review status: criteria provided, single submitter. Criteria: Ambry Variant Classification Scheme 2023. Collection method: clinical testing. Allele origin: germline.
Comment: The p.S1280T variant (also known as c.3839G>C), located in coding exon 20 of the DICER1 gene, results from a G to C substitution at nucleotide position 3839. The serine at codon 1280 is replaced by threonine, an amino acid with similar properties. This amino acid position is not well conserved in available vertebrate species. In addition, this alteration is predicted to be tolerated by in silico analysis. Since supporting evidence is limited at this time, the clinical significance of this alteration remains unclear.

NM_177438.3(DICER1):c.3839G>C (p.Ser1280Thr)

Gene: DICER1 (dicer 1, ribonuclease III; minus strand). Cytogenetic location: 14q32.13.
Variant type: single nucleotide variant.
Coding change: c.3839G>C on transcript NM_177438.3 (MANE Select); coding-DNA position 3839, G replaced by C.
Protein change: p.Ser1280Thr; replaces serine 1280 with threonine.
Molecular consequence: missense variant. On other transcripts: non-coding transcript variant (6).
Genome position (GRCh38, 1-based): chr14:95,103,557, C>G on the plus strand (G>C on the coding strand, the complement: DICER1 is on the minus strand). VCF-style: chr14-95103557-C-G. GRCh37 (hg19) VCF-style: chr14-95569894-C-G.
Other names: c.3839G>C, p.Ser1280Thr (NM_001195573.1, NM_001271282.3, NM_001291628.2 and 13 more transcripts); c.3557G>C, p.Ser1186Thr (NM_001395686.1); c.3434G>C, p.Ser1145Thr (NM_001395687.1, NM_001395688.1, NM_001395689.1 and 2 more transcripts); c.3272G>C, p.Ser1091Thr (NM_001395691.1); c.2156G>C, p.Ser719Thr (NM_001395697.1); short protein forms S719T, S1091T, S1145T, S1280T, S1186T.
Identifiers: ClinVar variation 1735405 (VCV001735405.2), dbSNP rs1595364485, ClinGen allele CA390873335.